The following is an entry in ClinVar:

NM_000179.3(MSH6):c.3912G>C (p.Arg1304Ser)

Gene: MSH6 (mutS homolog 6; plus strand). Cytogenetic location: 2p16.3.
Variant type: single nucleotide variant.
Coding change: c.3912G>C on transcript NM_000179.3 (MANE Select); coding-DNA position 3912, G replaced by C.
Protein change: p.Arg1304Ser; replaces arginine 1304 with serine.
Molecular consequence: missense variant.
Genome position (GRCh38, 1-based): chr2:47,806,562, G>C. VCF-style: chr2-47806562-G-C. GRCh37 (hg19) VCF-style: chr2-48033701-G-C.
Other names: c.3522G>C, p.Arg1174Ser (NM_001281492.2); c.3006G>C, p.Arg1002Ser (NM_001281493.2, NM_001281494.2); c.3912G>C (NM_000179.2); short protein forms R1174S, R1002S, R1304S.
Identifiers: ClinVar variation 1365015 (VCV001365015.9), dbSNP rs786202333, ClinGen allele CA346761443.
Genomic context (GRCh38, chr2:47,806,562, plus strand): 5'-GTTCCTCTATAAATTCATTAAGGGAGCTTGTCCTAAAAGCTATGGCTTTAATGCAGCAAG[G>C]CTTGCTAATCTCCCAGAGGAAGTTATTCAAAAGGGACATAGAAAAGCAAGAGAATTTGAG-3'
Protein context (NP_000170.1, residues 1294-1314): CPKSYGFNAA[Arg1304Ser]LANLPEEVIQ

ClinVar aggregate classification (germline): Uncertain significance. Review status: criteria provided, multiple submitters, no conflicts (2 of 4 stars). 2 submissions from 2 submitters: Uncertain significance (2). Last evaluated 2026-06-08.

Conditions:
Hereditary nonpolyposis colorectal neoplasms. Identifiers: MedGen C0009405, MeSH D003123.
Hereditary cancer-predisposing syndrome. Also called: Neoplastic Syndromes, Hereditary; Tumor predisposition; Hereditary Cancer Syndrome; Hereditary neoplastic syndrome. Identifiers: Orphanet 140162, MedGen C0027672, MeSH D009386, MONDO:0015356.

Submissions (2):

Ambry Genetics
Classification: Uncertain significance for Hereditary cancer-predisposing syndrome. Last evaluated: 2026-06-08. Review status: criteria provided, single submitter. Criteria: Ambry Variant Classification Scheme 2023. Collection method: clinical testing. Allele origin: germline.
Comment: The p.R1304S variant (also known as c.3912G>C), located in coding exon 9 of the MSH6 gene, results from a G to C substitution at nucleotide position 3912. The arginine at codon 1304 is replaced by serine, an amino acid with dissimilar properties. This amino acid position is conserved. In addition, this alteration is predicted to be deleterious by in silico analysis. Based on the available evidence, the clinical significance of this variant remains unclear.

Labcorp Genetics (formerly Invitae), Labcorp
Classification: Uncertain significance for Hereditary nonpolyposis colorectal neoplasms. Last evaluated: 2023-09-08. Review status: criteria provided, single submitter. Criteria: Invitae Variant Classification Sherloc (09022015). Collection method: clinical testing. Allele origin: germline.
Comment: ClinVar contains an entry for this variant (Variation ID: 1365015). This variant has not been reported in the literature in individuals affected with MSH6-related conditions. This variant is not present in population databases (gnomAD no frequency). This sequence change replaces arginine, which is basic and polar, with serine, which is neutral and polar, at codon 1304 of the MSH6 protein (p.Arg1304Ser). Advanced modeling of protein sequence and biophysical properties (such as structural, functional, and spatial information, amino acid conservation, physicochemical variation, residue mobility, and thermodynamic stability) has been performed at Invitae for this missense variant, however the output from this modeling did not meet the statistical confidence thresholds required to predict the impact of this variant on MSH6 protein function. In summary, the available evidence is currently insufficient to determine the role of this variant in disease. Therefore, it has been classified as a Variant of Uncertain Significance.